The following is an entry in ClinVar:

ClinVar aggregate classification (germline): Conflicting classifications of pathogenicity. Review status: criteria provided, conflicting classifications (1 of 4 stars). 5 submissions from 5 submitters: Uncertain significance (4); Likely benign (1). Last evaluated 2025-11-13.

Conditions:
Autosomal recessive limb-girdle muscular dystrophy type 2U. Also called: MUSCULAR DYSTROPHY, LIMB-GIRDLE, TYPE 2U; Muscular dystrophy-dystroglycanopathy (limb-girdle), type c, 7. Identifiers: Orphanet 352479, MedGen C5190987, MONDO:0014474, OMIM 616052.
Muscular dystrophy-dystroglycanopathy (congenital with brain and eye anomalies), type A, 7. Also called: WALKER-WARBURG SYNDROME OR MUSCLE-EYE-BRAIN DISEASE, ISPD-RELATED; Congenital muscular dystrophy-dystroglycanopathy with brain and eye anomalies, type A7. Identifiers: Orphanet 899, MedGen C3553330, MONDO:0013835, OMIM 614643.

Allele frequency attached by ClinVar (database versions not stated): 1000 Genomes Project 0.00020; TOPMed 0.00024; ESP Exome Variant Server 0.00025; gnomAD exomes 0.00005; 1000 Genomes Project 30x 0.00031; ExAC 0.00006; gnomAD 0.00013 and 0.00014.
gnomAD v4.1: 53 of 1,611,138 alleles (0.0033%); highest among the groups gnomAD compares: African/African-American, 0.061%; no homozygotes.

Submissions (5):

Ambry Genetics
Classification: Uncertain significance. Last evaluated: 2025-11-13. Review status: criteria provided, single submitter. Criteria: Ambry Variant Classification Scheme 2023. Collection method: clinical testing. Allele origin: germline.

Mayo Clinic Laboratories, Mayo Clinic
Classification: Uncertain significance. Last evaluated: 2025-10-19. Review status: criteria provided, single submitter. Criteria: ACMG Guidelines, 2015. Collection method: clinical testing. Allele origin: germline. Observed: 1 variant allele.
Comment: BP4_moderate

Blueprint Genetics
Classification: Likely benign. Last evaluated: 2024-06-17. Review status: criteria provided, single submitter. Criteria: ACMG Guidelines, 2015. Collection method: clinical testing. Allele origin: germline.

Labcorp Genetics (formerly Invitae), Labcorp
Classification: Uncertain significance for Muscular dystrophy-dystroglycanopathy (congenital with brain and eye anomalies), type A, 7; Autosomal recessive limb-girdle muscular dystrophy type 2U. Last evaluated: 2022-07-19. Review status: criteria provided, single submitter. Criteria: Invitae Variant Classification Sherloc (09022015). Collection method: clinical testing. Allele origin: germline.
Comment: This sequence change replaces glutamine, which is neutral and polar, with lysine, which is basic and polar, at codon 329 of the ISPD protein (p.Gln329Lys). This variant is present in population databases (rs202126749, gnomAD 0.05%). This variant has not been reported in the literature in individuals affected with ISPD-related conditions. ClinVar contains an entry for this variant (Variation ID: 540370). Algorithms developed to predict the effect of missense changes on protein structure and function output the following: SIFT: "Tolerated"; PolyPhen-2: "Benign"; Align-GVGD: "Class C0". The lysine amino acid residue is found in multiple mammalian species, which suggests that this missense change does not adversely affect protein function. In summary, the available evidence is currently insufficient to determine the role of this variant in disease. Therefore, it has been classified as a Variant of Uncertain Significance.

Revvity Omics, Revvity
Classification: Uncertain significance. Last evaluated: 2020-09-08. Review status: criteria provided, single submitter. Criteria: ACMG Guidelines, 2015. Collection method: clinical testing. Allele origin: germline.

NM_001101426.4(CRPPA):c.985C>A (p.Gln329Lys)

Genes: CRPPA (CDP-L-ribitol pyrophosphorylase A; minus strand), CRPPA-AS1 (CRPPA antisense RNA 1; plus strand). Cytogenetic location: 7p21.2.
Variant type: single nucleotide variant.
Coding change: c.985C>A on transcript NM_001101426.4 (MANE Select); coding-DNA position 985, C replaced by A.
Protein change: p.Gln329Lys; replaces glutamine 329 with lysine.
Molecular consequence: missense variant. On other transcripts: non-coding transcript variant (1).
Genome position (GRCh38, 1-based): chr7:16,258,961, G>T on the plus strand (C>A on the coding strand, the complement: CRPPA is on the minus strand). VCF-style: chr7-16258961-G-T. GRCh37 (hg19) VCF-style: chr7-16298586-G-T.
Other names: p.Gln329Lys; c.835C>A, p.Gln279Lys (NM_001101417.4); c.880C>A, p.Gln294Lys (NM_001368197.1); short protein forms Q329K, Q294K, Q279K.
Identifiers: ClinVar variation 540370 (VCV000540370.13), dbSNP rs202126749, ClinGen allele CA4169430.